The following is an entry in ClinVar:

NM_001032386.2(SUOX):c.228G>T (p.Arg76Ser)

Gene: SUOX (sulfite oxidase; plus strand). Cytogenetic location: 12q13.2.
Variant type: single nucleotide variant.
Coding change: c.228G>T on transcript NM_001032386.2 (MANE Select); coding-DNA position 228, G replaced by T.
Protein change: p.Arg76Ser; replaces arginine 76 with serine.
Molecular consequence: missense variant.
Genome position (GRCh38, 1-based): chr12:56,002,720, G>T. VCF-style: chr12-56002720-G-T. GRCh37 (hg19) VCF-style: chr12-56396504-G-T.
Other names: p.Arg76Ser; c.228G>T, p.Arg76Ser (NM_000456.3, NM_001032387.2); short protein forms R76S.
Identifiers: ClinVar variation 309833 (VCV000309833.28), dbSNP rs202085145, ClinGen allele CA6620904.
Genomic context (GRCh38, chr12:56,002,720, plus strand): 5'-AGTCATGGGGACCCTATTAGGTCTCGGTGCAGTGTTGGCCTATCAGGACCATCGGTGTAG[G>T]GTAAGTAGGGAAAGTGCTTCATTGTCAGAACAGACTGGGTGCAGTGGCTCACGCCTGTTA-3'
Protein context (NP_001027558.1, residues 66-86): AVLAYQDHRC[Arg76Ser]AAQESTHIYT

ClinVar aggregate classification (germline): Conflicting classifications of pathogenicity. Review status: criteria provided, conflicting classifications (1 of 4 stars). 9 submissions from 9 submitters: Uncertain significance (2); Benign (2); Likely benign (3). 2 of the submissions do not count toward it. Last evaluated 2026-01-28.

Conditions:
Sulfite oxidase deficiency. Also called: Isolated sulfite oxidase deficiency. Identifiers: Orphanet 833, Orphanet 99731, MedGen C0268624, MONDO:0010089, OMIM 272300, HP:0003643.
SUOX-related disorder. Also called: SUOX-related condition.
Inborn genetic diseases. Identifiers: MedGen C0950123, MeSH D030342.

Allele frequency attached by ClinVar (database versions not stated): 1000 Genomes Project 30x 0.00016; 1000 Genomes Project 0.00020; ESP Exome Variant Server 0.00054; gnomAD exomes 0.00054 and 0.00103; gnomAD 0.00057; TOPMed 0.00070; ExAC 0.00076.
gnomAD v4.1: 941 of 1,613,944 alleles (0.058%); highest among the groups gnomAD compares: Middle Eastern, 0.099%; 4 homozygotes.

Submissions (17):

Labcorp Genetics (formerly Invitae), Labcorp
Classification: Benign for Sulfite oxidase deficiency. Last evaluated: 2026-01-28. Review status: criteria provided, single submitter. Criteria: Invitae Variant Classification Sherloc (09022015). Collection method: clinical testing. Allele origin: germline.

Mayo Clinic Laboratories, Mayo Clinic
Classification: Likely benign. Last evaluated: 2025-12-06. Review status: criteria provided, single submitter. Criteria: ACMG Guidelines, 2015. Collection method: clinical testing. Allele origin: germline. Observed: 1 variant allele.
Comment: BS1, BS2

Women's Health and Genetics/Laboratory Corporation of America, LabCorp
Classification: Likely benign. Last evaluated: 2025-10-06. Review status: criteria provided, single submitter. Criteria: LabCorp Variant Classification Summary - May 2015. Collection method: clinical testing. Allele origin: germline.
Comment: Variant summary: SUOX c.228G>T (p.Arg76Ser) results in a non-conservative amino acid change in the encoded protein sequence. Algorithms developed to predict the effect of missense changes on protein structure and function are either unavailable or do not agree on the potential impact of this missense change. Several computational tools predict a significant impact on normal splicing: Three predict the variant weakens a 5' donor site. One predict the variant no significant impact on splicing. However, these predictions have yet to be confirmed by functional studies. The variant allele was found at a frequency of 0.001 in 250708 control chromosomes, predominantly at a frequency of 0.0012 within the Latino subpopulation in the gnomAD database, including 1 homozygotes. The observed variant frequency within Latino control individuals in the gnomAD database exceeds the estimated maximal expected allele frequency for disease-causing variants in SUOX. To our knowledge, no occurrence of c.228G>T in individuals affected with SUOX-related conditions has been reported. One publication reports experimental evidence evaluating an impact on protein function (Bastarache_2018); however, the data does not allow convincing conclusions about the variant effect. The following publication have been ascertained in the context of this evaluation (PMID: 29590070). ClinVar contains an entry for this variant (Variation ID: 309833). Based on the evidence outlined above, the variant was classified as likely benign.

ARUP Laboratories, Molecular Genetics and Genomics, ARUP Laboratories
Classification: Uncertain significance for Sulfite oxidase deficiency. Last evaluated: 2023-09-14. Review status: criteria provided, single submitter. Criteria: ARUP Molecular Germline Variant Investigation Process 2024. Collection method: clinical testing. Allele origin: germline.

Ambry Genetics
Classification: Benign for Inborn genetic diseases. Last evaluated: 2022-03-10. Review status: criteria provided, single submitter. Criteria: Ambry Variant Classification Scheme 2023. Collection method: clinical testing. Allele origin: germline.

Department of Pathology and Laboratory Medicine, Sinai Health System
Classification: Likely benign for Sulfite oxidase deficiency. Last evaluated: 2021-10-06. Review status: criteria provided, single submitter. Criteria: ACMG Guidelines, 2015. Collection method: research. Allele origin: germline.

Illumina Laboratory Services, Illumina
Classification: Uncertain significance for Sulfite oxidase deficiency. Last evaluated: 2018-01-13. Review status: criteria provided, single submitter. Criteria: ICSL Variant Classification Criteria 13 December 2019. Collection method: clinical testing. Allele origin: germline.

PreventionGenetics, part of Exact Sciences
Classification: Likely benign for SUOX-related condition. Last evaluated: 2021-01-02. Review status: no assertion criteria provided. Collection method: clinical testing. Allele origin: germline. Not counted in ClinVar's aggregate classification.
Comment: This variant is classified as likely benign based on ACMG/AMP sequence variant interpretation guidelines (Richards et al. 2015 PMID: 25741868, with internal and published modifications).

Dr. Peter K. Rogan Lab, Western University
No classification provided (evidence only). Condition: Malignant tumor of urinary bladder. Review status: no classification provided. Collection method: in vitro. Allele origin: not applicable. Functional consequence: skipped exon, retained intron. Not counted in ClinVar's aggregate classification.

Dr. Peter K. Rogan Lab, Western University
No classification provided (evidence only). Condition: Malignant tumor of urinary bladder. Review status: no classification provided. Collection method: in vitro. Allele origin: not applicable. Functional consequence: skipped exon, retained intron. Not counted in ClinVar's aggregate classification.

Dr. Peter K. Rogan Lab, Western University
No classification provided (evidence only). Condition: Clear cell carcinoma of kidney. Review status: no classification provided. Collection method: in vitro. Allele origin: not applicable. Functional consequence: skipped exon, retained intron. Not counted in ClinVar's aggregate classification.

Dr. Peter K. Rogan Lab, Western University
No classification provided (evidence only). Condition: Thyroid cancer, nonmedullary, 1. Review status: no classification provided. Collection method: in vitro. Allele origin: not applicable. Functional consequence: skipped exon, retained intron. Not counted in ClinVar's aggregate classification.

Dr. Peter K. Rogan Lab, Western University
No classification provided (evidence only). Condition: Nonpapillary renal cell carcinoma. Review status: no classification provided. Collection method: in vitro. Allele origin: not applicable. Functional consequence: skipped exon, retained intron. Not counted in ClinVar's aggregate classification.

Dr. Peter K. Rogan Lab, Western University
No classification provided (evidence only). Condition: Ovarian serous cystadenocarcinoma. Review status: no classification provided. Collection method: in vitro. Allele origin: not applicable. Functional consequence: retained intron. Not counted in ClinVar's aggregate classification.

Dr. Peter K. Rogan Lab, Western University
No classification provided (evidence only). Condition: Gastric cancer. Review status: no classification provided. Collection method: in vitro. Allele origin: not applicable. Functional consequence: retained intron. Not counted in ClinVar's aggregate classification.

Dr. Peter K. Rogan Lab, Western University
No classification provided (evidence only). Condition: Uterine carcinosarcoma. Review status: no classification provided. Collection method: in vitro. Allele origin: not applicable. Functional consequence: skipped exon. Not counted in ClinVar's aggregate classification.

Center for Precision Medicine, Vanderbilt University Medical Center
Classification: Pathogenic for Sulfite oxidase deficiency. Last evaluated: 2018-03-16. Review status: flagged submission. Criteria: ACMG Guidelines, 2015. Collection method: research, in vitro. Allele origin: germline. Inheritance: Autosomal recessive inheritance. Observed: 24 variant alleles, 24 heterozygotes. Clinical features observed: anxiety disorders, spasm of muscle, abnormal movement disorders, atopic or contact dermatitis, hemiplegia, spinocerebellar disease, convulsions. Not counted in ClinVar's aggregate classification.
ClinVar note: Reason: Outlier claim with insufficient supporting evidence

Literature cited by the submitters: PubMed 23665194 (cited by Mayo Clinic Laboratories, Mayo Clinic); PubMed 29590070 (cited by Mayo Clinic Laboratories, Mayo Clinic and Women's Health and Genetics/Laboratory Corporation of America, LabCorp); PubMed 19339519 (cited by Center for Precision Medicine, Vanderbilt University Medical Center).